The following is an entry in ClinVar:

ClinVar aggregate classification (germline): Uncertain significance (1 of 4 stars; one submission).

Conditions:
Familial episodic pain syndrome with predominantly lower limb involvement. Also called: Episodic pain syndrome, familial, 3. Identifiers: Orphanet 391384, Orphanet 391392, MedGen C3809899, MONDO:0014247, OMIM 615552.
Hereditary sensory and autonomic neuropathy type 7. Also called: HSAN VII; Neuropathy, hereditary sensory and autonomic, type VII. Identifiers: Orphanet 391397, MedGen C3809882, MONDO:0014244, OMIM 615548.

Allele frequency attached by ClinVar (database versions not stated): gnomAD exomes below 0.00001.
gnomAD v4.1: 3 of 1,610,862 alleles (0.00019%); highest among the groups gnomAD compares: Middle Eastern, 0.019%; no homozygotes.

Submission:

Labcorp Genetics (formerly Invitae), Labcorp
Classification: Uncertain significance for Familial episodic pain syndrome with predominantly lower limb involvement; Hereditary sensory and autonomic neuropathy type 7. Last evaluated: 2023-10-20. Review status: criteria provided, single submitter. Criteria: Invitae Variant Classification Sherloc (09022015). Collection method: clinical testing. Allele origin: germline.
Comment: This sequence change replaces isoleucine, which is neutral and non-polar, with threonine, which is neutral and polar, at codon 978 of the SCN11A protein (p.Ile978Thr). This variant is present in population databases (no rsID available, gnomAD 0.006%). This variant has not been reported in the literature in individuals affected with SCN11A-related conditions. Algorithms developed to predict the effect of missense changes on protein structure and function output the following: SIFT: "Not Available"; PolyPhen-2: "Benign"; Align-GVGD: "Not Available". The threonine amino acid residue is found in multiple mammalian species, which suggests that this missense change does not adversely affect protein function. In summary, the available evidence is currently insufficient to determine the role of this variant in disease. Therefore, it has been classified as a Variant of Uncertain Significance.

NM_001349253.2(SCN11A):c.2933T>C (p.Ile978Thr)

Gene: SCN11A (sodium voltage-gated channel alpha subunit 11; minus strand). Cytogenetic location: 3p22.2.
Variant type: single nucleotide variant.
Coding change: c.2933T>C on transcript NM_001349253.2 (MANE Select); coding-DNA position 2933, T replaced by C.
Protein change: p.Ile978Thr; replaces isoleucine 978 with threonine.
Molecular consequence: missense variant.
Genome position (GRCh38, 1-based): chr3:38,886,141, A>G on the plus strand (T>C on the coding strand, the complement: SCN11A is on the minus strand). VCF-style: chr3-38886141-A-G. GRCh37 (hg19) VCF-style: chr3-38927632-A-G.
Other names: c.2933T>C, p.Ile978Thr (NM_014139.3); short protein forms I978T.
Identifiers: ClinVar variation 2935240 (VCV002935240.3), dbSNP rs1198642290, ClinGen allele CA352174045.